The following is an entry in ClinVar:

NC_000023.10:g.(?_32360207)_(32841514_?)del

Gene: DMD (dystrophin; minus strand). Cytogenetic location: Xp21.1.
Variant type: Deletion.
Identifiers: ClinVar variation 1076145 (VCV001076145.2).

ClinVar aggregate classification (germline): Pathogenic (1 of 4 stars; one submission).

Conditions:
Duchenne muscular dystrophy (DMD). Also called: MUSCULAR DYSTROPHY, PSEUDOHYPERTROPHIC PROGRESSIVE, DUCHENNE TYPE; Duchenne Muscular Dystrophy (DMD). Identifiers: Orphanet 98896, MedGen C0013264, MONDO:0010679, OMIM 310200.

Submission:

Labcorp Genetics (formerly Invitae), Labcorp
Classification: Pathogenic for Duchenne muscular dystrophy. Last evaluated: 2020-09-02. Review status: criteria provided, single submitter. Criteria: Invitae Variant Classification Sherloc (09022015). Collection method: clinical testing. Allele origin: germline.
Comment: This variant is an in-frame deletion of the genomic region encompassing exon(s) 5-41 of the DMD gene. It preserves the integrity of the reading frame. This variant has been observed in individual(s) with Duchenne or Becker muscular dystrophy (PMID: 16030524). The region of the DMD gene that includes exon(s) 40 has been determined to be clinically significant (PMID: 16770791, 28116794). Therefore, deletions that encompass that region are likely to disrupt protein function and cause disease. For these reasons, this variant has been classified as Pathogenic.

Literature cited by the submitters: PubMed 16030524; PubMed 16770791; PubMed 28116794.